The following is an entry in ClinVar:

ClinVar aggregate classification (germline): Pathogenic/Likely pathogenic. Review status: criteria provided, multiple submitters, no conflicts (2 of 4 stars). 2 submissions from 2 submitters: Pathogenic (1); Likely pathogenic (1). Last evaluated 2026-01-20.

Conditions:
Curry-Hall syndrome (WAD). Also called: WEYERS ACRODENTAL DYSOSTOSIS. Identifiers: Orphanet 952, MedGen C0457013, MONDO:0008673, OMIM 193530.
Ellis-van Creveld syndrome (EVC). Also called: Chondroectodermal dysplasia; MESOECTODERMAL DYSPLASIA; EVC-Related Ellis-van Creveld Syndrome; EVC2-Related Ellis-van Creveld Syndrome. Identifiers: Orphanet 289, MedGen C0013903, MONDO:0009162, OMIM 225500.

Allele frequency attached by ClinVar (database versions not stated): gnomAD 0.00001.
gnomAD v4.1: 6 of 1,614,074 alleles (0.00037%); highest among the groups gnomAD compares: African/African-American, 0.0013%; no homozygotes.

Submissions (2):

Natera, Inc.
Classification: Likely pathogenic for Ellis-van Creveld syndrome. Last evaluated: 2026-01-20. Review status: criteria provided, single submitter. Criteria: Natera Variant Classification Schema (03/2026). Collection method: clinical testing. Allele origin: germline.
Comment: The c.1021C>T variant in EVC is a nonsense variant predicted to introduce a stop codon at amino acid 341. This variant is expected to result in nonsense mediated decay, truncation, or a dysfunctional protein product. This variant is rare in the general population with a frequency below the threshold expected for the associated phenotype(s). Given the available evidence, this variant is classified as Likely Pathogenic.

Labcorp Genetics (formerly Invitae), Labcorp
Classification: Pathogenic for Curry-Hall syndrome; Ellis-van Creveld syndrome. Last evaluated: 2023-09-26. Review status: criteria provided, single submitter. Criteria: Invitae Variant Classification Sherloc (09022015). Collection method: clinical testing. Allele origin: germline.
Comment: This sequence change creates a premature translational stop signal (p.Gln341*) in the EVC gene. It is expected to result in an absent or disrupted protein product. Loss-of-function variants in EVC are known to be pathogenic (PMID: 23220543). This variant is not present in population databases (gnomAD no frequency). This variant has not been reported in the literature in individuals affected with EVC-related conditions. ClinVar contains an entry for this variant (Variation ID: 1072936). For these reasons, this variant has been classified as Pathogenic.

Literature cited by the submitters: PubMed 23220543 (cited by Labcorp Genetics (formerly Invitae), Labcorp).

NM_153717.3(EVC):c.1021C>T (p.Gln341Ter)

Gene: EVC (EvC ciliary complex subunit 1; plus strand). Cytogenetic location: 4p16.2.
Variant type: single nucleotide variant.
Coding change: c.1021C>T on transcript NM_153717.3 (MANE Select); coding-DNA position 1021, C replaced by T.
Protein change: p.Gln341Ter; replaces glutamine 341 with a stop codon.
Molecular consequence: nonsense.
Genome position (GRCh38, 1-based): chr4:5,748,229, C>T. VCF-style: chr4-5748229-C-T. GRCh37 (hg19) VCF-style: chr4-5749956-C-T.
Other names: c.1021C>T (NM_153717.2); c.1021C>T, p.Gln341Ter (NM_001306090.2, NM_001306092.2); short protein forms Q341*.
Identifiers: ClinVar variation 1072936 (VCV001072936.9), dbSNP rs1729663828, ClinGen allele CA356151483.